The following is an entry in ClinVar:

NM_000334.4(SCN4A):c.4774A>T (p.Met1592Leu)

Genes: SCN4A (sodium voltage-gated channel alpha subunit 4; minus strand), GH-LCR (growth hormone locus control region; plus strand). Cytogenetic location: 17q23.3.
Variant type: single nucleotide variant.
Coding change: c.4774A>T on transcript NM_000334.4 (MANE Select); coding-DNA position 4774, A replaced by T.
Protein change: p.Met1592Leu; replaces methionine 1592 with leucine.
Molecular consequence: missense variant.
Genome position (GRCh38, 1-based): chr17:63,941,508, T>A on the plus strand (A>T on the coding strand, the complement: SCN4A is on the minus strand). VCF-style: chr17-63941508-T-A. GRCh37 (hg19) VCF-style: chr17-62018868-T-A.
Other names: short protein forms M1592L.
Identifiers: ClinVar variation 3372716 (VCV003372716.1).
Genomic context (GRCh38, chr17:63,941,508, plus strand): 5'-GGGGCTCGCTGCTCTCCTCTGTGGCCACATTGAAGTTCTCCAGGATGATGGCGATGTACA[T>A]GTTGACCACGATGAGGAAGGAGATGATGATATAGCTGCAGAAGAAGCAGATGCCGATGGA-3'
Protein context (NP_000325.4, residues 1582-1602): IIISFLIVVN[Met1592Leu]YIAIILENFN

ClinVar aggregate classification (germline): Uncertain significance (1 of 4 stars; one submission).

Submission:

GeneDx
Classification: Uncertain significance. Last evaluated: 2024-04-22. Review status: criteria provided, single submitter. Criteria: GeneDx Variant Classification Process June 2021. Collection method: clinical testing. Allele origin: germline. Affected: yes.
Comment: Not observed at significant frequency in large population cohorts (gnomAD); In silico analysis indicates that this missense variant does not alter protein structure/function; Has not been previously published as pathogenic or benign to our knowledge; This variant is associated with the following publications: (PMID: 21665479, 23801527, 29930533, 31068157, 31567646, 32849172, 1659668)